The following is an entry in ClinVar:

NM_001111.5(ADAR):c.164C>T (p.Pro55Leu)

Gene: ADAR (adenosine deaminase RNA specific; minus strand). Cytogenetic location: 1q21.3.
Variant type: single nucleotide variant.
Coding change: c.164C>T on transcript NM_001111.5 (MANE Select); coding-DNA position 164, C replaced by T.
Protein change: p.Pro55Leu; replaces proline 55 with leucine.
Molecular consequence: missense variant. On other transcripts: 5 prime UTR variant (6).
Genome position (GRCh38, 1-based): chr1:154,602,478, G>A on the plus strand (C>T on the coding strand, the complement: ADAR is on the minus strand). VCF-style: chr1-154602478-G-A. GRCh37 (hg19) VCF-style: chr1-154574954-G-A.
Other names: c.-722C>T (NM_001025107.3, NM_001193495.2, NM_001365048.1); c.191C>T, p.Pro64Leu (NM_001365045.1); c.-586C>T (NM_001365046.1, NM_001365047.1, NM_001365049.1); c.164C>T, p.Pro55Leu (NM_015840.4, NM_015841.4); short protein forms P55L, P64L.
Identifiers: ClinVar variation 1011541 (VCV001011541.8), dbSNP rs187076847, ClinGen allele CA1131752.

ClinVar aggregate classification (germline): Uncertain significance. Review status: criteria provided, multiple submitters, no conflicts (2 of 4 stars). 3 submissions from 3 submitters: Uncertain significance (3). Last evaluated 2026-01-20.

Conditions:
Aicardi-Goutieres syndrome 6 (AGS6). Identifiers: Orphanet 51, MedGen C3539013, MONDO:0014007, OMIM 615010.
Symmetrical dyschromatosis of extremities (DSH). Also called: DYSCHROMATOSIS SYMMETRICA HEREDITARIA 1; RETICULATE ACROPIGMENTATION OF DOHI; SYMMETRIC DYSCHROMATOSIS OF THE EXTREMITIES; Dyschromatosis symmetrica hereditaria. Identifiers: Orphanet 41, MedGen C0406775, MONDO:0007483, OMIM 127400.

Allele frequency attached by ClinVar (database versions not stated): gnomAD 0.00003; gnomAD exomes 0.00004 and 0.00011; ExAC 0.00012; TOPMed 0.00005; 1000 Genomes Project 30x 0.00016; 1000 Genomes Project 0.00020.
gnomAD v4.1: 68 of 1,614,114 alleles (0.0042%); highest among the groups gnomAD compares: Admixed American, 0.03%; no homozygotes.

Submissions (3):

Labcorp Genetics (formerly Invitae), Labcorp
Classification: Uncertain significance for Aicardi-Goutieres syndrome 6; Symmetrical dyschromatosis of extremities. Last evaluated: 2026-01-20. Review status: criteria provided, single submitter. Criteria: Invitae Variant Classification Sherloc (09022015). Collection method: clinical testing. Allele origin: germline.
Comment: This sequence change replaces proline, which is neutral and non-polar, with leucine, which is neutral and non-polar, at codon 55 of the ADAR protein (p.Pro55Leu). This variant is present in population databases (rs187076847, gnomAD 0.05%). This missense change has been observed in individual(s) with ADAR-related conditions (PMID: 30564185). ClinVar contains an entry for this variant (Variation ID: 1011541). An algorithm developed to predict the effect of missense changes on protein structure and function (PolyPhen-2) suggests that this variant is likely to be disruptive. In summary, the available evidence is currently insufficient to determine the role of this variant in disease. Therefore, it has been classified as a Variant of Uncertain Significance.

Genome-Nilou Lab
Classification: Uncertain significance for Aicardi-Goutieres syndrome 6. Last evaluated: 2023-04-11. Review status: criteria provided, single submitter. Criteria: ACMG Guidelines, 2015. Collection method: clinical testing. Allele origin: germline. Affected: no.

Fulgent Genetics
Classification: Uncertain significance for Symmetrical dyschromatosis of extremities; Aicardi-Goutieres syndrome 6. Last evaluated: 2021-07-29. Review status: criteria provided, single submitter. Criteria: ACMG Guidelines, 2015. Collection method: clinical testing. Allele origin: unknown.

Literature cited by the submitters: PubMed 30564185 (cited by Labcorp Genetics (formerly Invitae), Labcorp).